The following is an entry in ClinVar:

ClinVar aggregate classification (germline): Uncertain significance. Review status: criteria provided, multiple submitters, no conflicts (2 of 4 stars). 2 submissions from 2 submitters: Uncertain significance (2). Last evaluated 2026-07-17.

Conditions:
Hypertrophic cardiomyopathy 14. Identifiers: MedGen C2750467, MONDO:0013197, OMIM 613251.
Cardiovascular phenotype. Identifiers: MedGen CN230736.

gnomAD v4.1: 11 of 1,612,256 alleles (0.00068%); highest among the groups gnomAD compares: Non-Finnish European, 0.00085%; no homozygotes.

Submissions (2):

Ambry Genetics
Classification: Uncertain significance for Cardiovascular phenotype. Last evaluated: 2026-07-17. Review status: criteria provided, single submitter. Criteria: Ambry Variant Classification Scheme 2023. Collection method: clinical testing. Allele origin: germline.
Comment: The p.A1440S variant (also known as c.4318G>T), located in coding exon 28 of the MYH6 gene, results from a G to T substitution at nucleotide position 4318. The alanine at codon 1440 is replaced by serine, an amino acid with similar properties. This amino acid position is conserved. In addition, the in silico prediction for this alteration is inconclusive. Based on the available evidence, the clinical significance of this variant remains unclear.

Labcorp Genetics (formerly Invitae), Labcorp
Classification: Uncertain significance for Hypertrophic cardiomyopathy 14. Last evaluated: 2025-08-09. Review status: criteria provided, single submitter. Criteria: Invitae Variant Classification Sherloc (09022015). Collection method: clinical testing. Allele origin: germline.
Comment: This sequence change replaces alanine, which is neutral and non-polar, with serine, which is neutral and polar, at codon 1440 of the MYH6 protein (p.Ala1440Ser). This variant is present in population databases (rs137983703, gnomAD 0.006%). This variant has not been reported in the literature in individuals affected with MYH6-related conditions. Invitae Evidence Modeling of protein sequence and biophysical properties (such as structural, functional, and spatial information, amino acid conservation, physicochemical variation, residue mobility, and thermodynamic stability) indicates that this missense variant is not expected to disrupt MYH6 protein function with a negative predictive value of 80%. In summary, the available evidence is currently insufficient to determine the role of this variant in disease. Therefore, it has been classified as a Variant of Uncertain Significance.

NM_002471.4(MYH6):c.4318G>T (p.Ala1440Ser)

Gene: MYH6 (myosin heavy chain 6; minus strand). Cytogenetic location: 14q11.2.
Variant type: single nucleotide variant.
Coding change: c.4318G>T on transcript NM_002471.4 (MANE Select); coding-DNA position 4318, G replaced by T.
Protein change: p.Ala1440Ser; replaces alanine 1440 with serine.
Molecular consequence: missense variant.
Genome position (GRCh38, 1-based): chr14:23,388,196, C>A on the plus strand (G>T on the coding strand, the complement: MYH6 is on the minus strand). VCF-style: chr14-23388196-C-A. GRCh37 (hg19) VCF-style: chr14-23857405-C-A.
Other names: short protein forms A1440S.
Identifiers: ClinVar variation 4736672 (VCV004736672.2).